The following is an entry in ClinVar:

NM_001042492.3(NF1):c.4076del (p.Pro1359fs)

Gene: NF1 (neurofibromin 1; plus strand). Cytogenetic location: 17q11.2.
Variant type: Deletion.
Coding change: c.4076del on transcript NM_001042492.3 (MANE Select); coding-DNA position 4076, one base deleted (C; older notation c.4076delC).
Protein change: p.Pro1359fs; shifts the reading frame from proline 1359.
Molecular consequence: frameshift variant.
Genome position (GRCh38, 1-based): chr17:31,249,085, C deleted; the last of 6 consecutive C bases (chr17:31,249,080-31,249,085); deleting any one gives the same sequence. VCF-style (leftmost placement, unchanged base first): chr17-31249079-TC-T. GRCh37 (hg19) VCF-style: chr17-29576097-TC-T.
Other names: c.4076delC, p.Pro1359Leufs (NM_000267.4, NM_001042492.2); c.4076delC (NM_000267.3); short protein forms P1359fs.
Identifiers: ClinVar variation 431632 (VCV000431632.19), dbSNP rs1135402852, ClinGen allele CA645373127.
Genomic context (GRCh38, chr17:31,249,079, plus strand): 5'-GGAACCTCCTTCAGATGACTGAAAAGTTCTTCCATGCCATCATCAGTTCCTCCTCAGAAT[TC>T]CCCCCTCAACTTCGAAGTGTGTGCCACTGTTTATACCAGGTATGCTTACAGTTAGAGATT-3'

ClinVar aggregate classification (germline): Pathogenic. Review status: criteria provided, multiple submitters, no conflicts (2 of 4 stars). 9 submissions from 9 submitters: Pathogenic (8). 1 of the submissions does not count toward it. Last evaluated 2025-09-23.

Conditions:
NF1-related disorder. Also called: NF1-related condition. Identifiers: MedGen CN379171.
Neurofibromatosis, type 1 (NF1). Also called: Neurofibromatosis, type I; Peripheral type neurofibromatosis; VON RECKLINGHAUSEN DISEASE; NEUROFIBROMATOSIS, TYPE I, SOMATIC. Identifiers: Orphanet 636, MedGen C0027831, MONDO:0018975, OMIM 162200. Disease mechanism: loss of function.
Hereditary cancer-predisposing syndrome. Also called: Hereditary Cancer Syndrome; Hereditary neoplastic syndrome; Neoplastic Syndromes, Hereditary; Tumor predisposition. Identifiers: Orphanet 140162, MedGen C0027672, MeSH D009386, MONDO:0015356.
Cardiovascular phenotype. Identifiers: MedGen CN230736.

Submissions (9):

Ambry Genetics
Classification: Pathogenic for Cardiovascular phenotype; Hereditary cancer-predisposing syndrome. Last evaluated: 2025-09-23. Review status: criteria provided, single submitter. Criteria: Ambry Variant Classification Scheme 2023. Collection method: clinical testing. Allele origin: germline.
Comment: The c.4076delC pathogenic mutation, located in coding exon 30 of the NF1 gene, results from a deletion of one nucleotide at nucleotide position 4076, causing a translational frameshift with a predicted alternate stop codon (p.P1359Lfs*26). This alteration has been identified in at least two unrelated individuals with neurofibromatosis type 1 (Upadhyaya M et al. Hum Genet. 1997 Jan;99:88-92). This variant is considered to be rare based on population cohorts in the Genome Aggregation Database (gnomAD). In addition to the clinical data presented in the literature, this alteration is expected to result in loss of function by premature protein truncation or nonsense-mediated mRNA decay. As such, this alteration is interpreted as a disease-causing mutation.

Labcorp Genetics (formerly Invitae), Labcorp
Classification: Pathogenic for Neurofibromatosis, type 1. Last evaluated: 2024-05-28. Review status: criteria provided, single submitter. Criteria: Invitae Variant Classification Sherloc (09022015). Collection method: clinical testing. Allele origin: germline.
Comment: This sequence change creates a premature translational stop signal (p.Pro1359Leufs*26) in the NF1 gene. It is expected to result in an absent or disrupted protein product. Loss-of-function variants in NF1 are known to be pathogenic (PMID: 10712197, 23913538). This variant is not present in population databases (gnomAD no frequency). This premature translational stop signal has been observed in individual(s) with neurofibromatosis type 1 (PMID: 9003501). ClinVar contains an entry for this variant (Variation ID: 431632). For these reasons, this variant has been classified as Pathogenic.

Blueprint Genetics
Classification: Pathogenic for NF1-related disorders. Last evaluated: 2024-03-20. Review status: criteria provided, single submitter. Criteria: ACMG Guidelines, 2015. Collection method: clinical testing. Allele origin: germline. Affected: yes. Observed: 1 variant allele.

3billion
Classification: Pathogenic for Neurofibromatosis, type 1. Last evaluated: 2022-03-22. Review status: criteria provided, single submitter. Criteria: ACMG Guidelines, 2015. Collection method: clinical testing. Allele origin: germline. Affected: yes. Observed: 1 heterozygote.
Comment: Frameshift: predicted to result in a loss or disruption of normal protein function through nonsense-mediated decay (NMD) or protein truncation. Multiple pathogenic variants are reported downstream of the variant. The variant has been reported at least twice as pathogenic/likely pathogenic with clinical assertions and evidence for the classification (ClinVar ID: VCV000431632, PMID:9003501). It is not observed in the gnomAD v2.1.1 dataset. Therefore, this variant is classified as pathogenic according to the recommendation of ACMG/AMP guideline.

Genome-Nilou Lab
Classification: Pathogenic for Neurofibromatosis, type 1. Last evaluated: 2022-03-15. Review status: criteria provided, single submitter. Criteria: ACMG Guidelines, 2015. Collection method: clinical testing. Allele origin: germline. Affected: no.

Institute of Medical Genetics and Applied Genomics, University Hospital Tübingen
Classification: Pathogenic. Last evaluated: 2021-06-17. Review status: criteria provided, single submitter. Criteria: ACMG Guidelines, 2015. Collection method: clinical testing. Allele origin: germline. Inheritance: Autosomal dominant inheritance. Affected: yes.

Genome Diagnostics Laboratory, The Hospital for Sick Children
Classification: Pathogenic for Neurofibromatosis, type 1. Last evaluated: 2020-10-26. Review status: criteria provided, single submitter. Criteria: ACMG Guidelines, 2015. Collection method: clinical testing. Allele origin: germline. Affected: yes.

Center for Human Genetics, Inc
Classification: Pathogenic for Neurofibromatosis, type 1. Last evaluated: 2016-11-01. Review status: criteria provided, single submitter. Criteria: ACMG Guidelines, 2015. Collection method: clinical testing. Allele origin: germline. Affected: yes.

Medical Genetics, University of Parma
Classification: Pathogenic for Neurofibromatosis type 1. Last evaluated: 2017-02-02. Review status: no assertion criteria provided. Collection method: clinical testing. Allele origin: germline. Affected: yes. Not counted in ClinVar's aggregate classification.

Literature cited by the submitters: PubMed 9003501 (cited by 3 submitters); PubMed 10712197 (cited by Labcorp Genetics (formerly Invitae), Labcorp); PubMed 23913538 (cited by Labcorp Genetics (formerly Invitae), Labcorp).